The following is an entry in ClinVar:

NM_001353108.3(CEP63):c.285A>C (p.Glu95Asp)

Gene: CEP63 (centrosomal protein 63; plus strand). Cytogenetic location: 3q22.2.
Variant type: single nucleotide variant.
Coding change: c.285A>C on transcript NM_001353108.3 (MANE Select); coding-DNA position 285, A replaced by C.
Protein change: p.Glu95Asp; replaces glutamic acid 95 with aspartic acid.
Molecular consequence: missense variant. On other transcripts: 5 prime UTR variant (1), non-coding transcript variant (4).
Genome position (GRCh38, 1-based): chr3:134,531,907, A>C. VCF-style: chr3-134531907-A-C. GRCh37 (hg19) VCF-style: chr3-134250749-A-C.
Other names: c.285A>C, p.Glu95Asp (NM_001042383.2, NM_001042384.2, NM_001042400.3 and 13 more transcripts); c.312A>C, p.Glu104Asp (NM_001353118.1); c.201A>C, p.Glu67Asp (NM_001353125.2); c.-97A>C (NM_001353126.2); short protein forms E104D, E95D, E67D.
Identifiers: ClinVar variation 2092184 (VCV002092184.4), dbSNP rs1438576749, ClinGen allele CA354622916.
Genomic context (GRCh38, chr3:134,531,907, plus strand): 5'-TGGAATGTTGCATCAGCAGGTAGAAGAACATGAAAAAATCAAGCAAGAGATGACCATGGA[A>C]TATAAGCAGGAGTTGAAGAAACTACATGAAGAAGTGAGATTTTAGTTTTGTTAAATGTTG-3'
Protein context (NP_001340037.1, residues 85-105): HEKIKQEMTM[Glu95Asp]YKQELKKLHE

ClinVar aggregate classification (germline): Uncertain significance (1 of 4 stars; one submission).

Allele frequency attached by ClinVar (database versions not stated): gnomAD 0.00001; TOPMed 0.00001.
gnomAD v4.1: 1 of 1,613,248 alleles (0.000062%); highest among the groups gnomAD compares: African/African-American, 0.0013%; no homozygotes.

Submission:

Labcorp Genetics (formerly Invitae), Labcorp
Classification: Uncertain significance. Last evaluated: 2022-02-01. Review status: criteria provided, single submitter. Criteria: Invitae Variant Classification Sherloc (09022015). Collection method: clinical testing. Allele origin: germline.
Comment: In summary, the available evidence is currently insufficient to determine the role of this variant in disease. Therefore, it has been classified as a Variant of Uncertain Significance. Algorithms developed to predict the effect of missense changes on protein structure and function output the following: SIFT: "Tolerated"; PolyPhen-2: "Benign"; Align-GVGD: "Class C0". The aspartic acid amino acid residue is found in multiple mammalian species, which suggests that this missense change does not adversely affect protein function. This variant has not been reported in the literature in individuals affected with CEP63-related conditions. This variant is not present in population databases (gnomAD no frequency). This sequence change replaces glutamic acid, which is acidic and polar, with aspartic acid, which is acidic and polar, at codon 95 of the CEP63 protein (p.Glu95Asp).